The following is an entry in ClinVar:

ClinVar aggregate classification (germline): Uncertain significance (1 of 4 stars; one submission).

Conditions:
Autosomal dominant auditory neuropathy 1. Also called: AUDITORY NEUROPATHY, NONSYNDROMIC DOMINANT. Identifiers: Orphanet 90635, MedGen C1836743, MONDO:0012196, OMIM 609129.

Submission:

Clinical Genomics Laboratory, Washington University in St. Louis
Classification: Uncertain significance for Autosomal dominant auditory neuropathy 1. Last evaluated: 2024-07-11. Review status: criteria provided, single submitter. Criteria: ACMG Guidelines, 2015. Collection method: clinical testing. Allele origin: germline.
Comment: The DIAPH3 c.626G>T (p.Ser209Ile) variant has not, to our knowledge, been reported in the medical literature. This variant is absent from the general population (gnomAD v.2.1.1), indicating it is not a common variant. Computational predictors indicate that the variant causes a damaging missense change and may also affect splicing. Due to limited information, and based on ACMG/AMP guidelines for variant interpretation (Richards S et al., PMID: 25741868), the clinical significance of this variant is uncertain at this time.

NM_001042517.2(DIAPH3):c.626G>T (p.Ser209Ile)

Genes: DIAPH3 (diaphanous related formin 3; minus strand), DIAPH3-AS1 (DIAPH3 antisense RNA 1; plus strand). Cytogenetic location: 13q21.2.
Variant type: single nucleotide variant.
Coding change: c.626G>T on transcript NM_001042517.2 (MANE Select); coding-DNA position 626, G replaced by T.
Protein change: p.Ser209Ile; replaces serine 209 with isoleucine.
Molecular consequence: missense variant. On other transcripts: non-coding transcript variant (4).
Genome position (GRCh38, 1-based): chr13:60,042,690, C>A on the plus strand (G>T on the coding strand, the complement: DIAPH3 is on the minus strand). VCF-style: chr13-60042690-C-A. GRCh37 (hg19) VCF-style: chr13-60616824-C-A.
Other names: c.593G>T, p.Ser198Ile (NM_001258366.2); c.488G>T, p.Ser163Ile (NM_001258367.2); c.416G>T, p.Ser139Ile (NM_001258368.2); c.626G>T, p.Ser209Ile (NM_001258369.2); short protein forms S139I, S163I, S198I, S209I.
Identifiers: ClinVar variation 3600529 (VCV003600529.1).